The following is an entry in ClinVar:

NM_032608.7(MYO18B):c.2333A>G (p.Gln778Arg)

Gene: MYO18B (myosin XVIIIB; plus strand). Cytogenetic location: 22q12.1.
Variant type: single nucleotide variant.
Coding change: c.2333A>G on transcript NM_032608.7 (MANE Select); coding-DNA position 2333, A replaced by G.
Protein change: p.Gln778Arg; replaces glutamine 778 with arginine.
Molecular consequence: missense variant.
Genome position (GRCh38, 1-based): chr22:25,785,448, A>G. VCF-style: chr22-25785448-A-G. GRCh37 (hg19) VCF-style: chr22-26181415-A-G.
Other names: c.2333A>G, p.Gln778Arg (NM_001318245.2); short protein forms Q778R.
Identifiers: ClinVar variation 1902882 (VCV001902882.5), dbSNP rs2517765549, ClinGen allele CA410994545.

ClinVar aggregate classification (germline): Uncertain significance (1 of 4 stars; one submission).

Submission:

Labcorp Genetics (formerly Invitae), Labcorp
Classification: Uncertain significance. Last evaluated: 2022-01-21. Review status: criteria provided, single submitter. Criteria: Invitae Variant Classification Sherloc (09022015). Collection method: clinical testing. Allele origin: germline.
Comment: In summary, the available evidence is currently insufficient to determine the role of this variant in disease. Therefore, it has been classified as a Variant of Uncertain Significance. Algorithms developed to predict the effect of missense changes on protein structure and function are either unavailable or do not agree on the potential impact of this missense change (SIFT: "Not Available"; PolyPhen-2: "Possibly Damaging"; Align-GVGD: "Not Available"). This variant has not been reported in the literature in individuals affected with MYO18B-related conditions. This variant is not present in population databases (gnomAD no frequency). This sequence change replaces glutamine, which is neutral and polar, with arginine, which is basic and polar, at codon 778 of the MYO18B protein (p.Gln778Arg).